The following is an entry in ClinVar:

ClinVar aggregate classification (germline): Uncertain significance (1 of 4 stars; one submission).

Submission:

GeneDx
Classification: Uncertain significance. Last evaluated: 2023-10-26. Review status: criteria provided, single submitter. Criteria: GeneDx Variant Classification Process June 2021. Collection method: clinical testing. Allele origin: germline. Affected: yes.
Comment: Not observed at significant frequency in large population cohorts (gnomAD); In silico analysis supports that this missense variant has a deleterious effect on protein structure/function; Has not been previously published as pathogenic or benign to our knowledge

NM_001308093.3(GATA4):c.662G>A (p.Cys221Tyr)

Gene: GATA4 (GATA binding protein 4). Cytogenetic location: 8p23.1.
Variant type: single nucleotide variant.
Coding change: c.662G>A on transcript NM_001308093.3 (MANE Select); coding-DNA position 662, G replaced by A.
Protein change: p.Cys221Tyr; replaces cysteine 221 with tyrosine.
Molecular consequence: missense variant.
Genome position (GRCh38, 1-based): chr8:11,748,961, G>A. VCF-style: chr8-11748961-G-A. GRCh37 (hg19) VCF-style: chr8-11606470-G-A.
Other names: c.41G>A, p.Cys14Tyr (NM_001308094.2, NM_001374273.1, NM_001374274.1); c.659G>A, p.Cys220Tyr (NM_002052.5); short protein forms C14Y, C220Y, C221Y.
Identifiers: ClinVar variation 3363535 (VCV003363535.1).